The following is an entry in ClinVar:

ClinVar aggregate classification (germline): Pathogenic (1 of 4 stars; one submission).

Conditions:
Nemaline myopathy 2 (NEM2). Also called: Nemaline myopathy 2, autosomal recessive. Identifiers: MedGen C1850569, MONDO:0009725, OMIM 256030.

Submission:

Labcorp Genetics (formerly Invitae), Labcorp
Classification: Pathogenic for Nemaline myopathy 2. Last evaluated: 2026-01-12. Review status: criteria provided, single submitter. Criteria: Invitae Variant Classification Sherloc (09022015). Collection method: clinical testing. Allele origin: germline.
Comment: This sequence change creates a premature translational stop signal (p.Lys2050*) in the NEB gene. It is expected to result in an absent or disrupted protein product. Loss-of-function variants in NEB are known to be pathogenic (PMID: 25205138). This variant is not present in population databases (gnomAD no frequency). This variant has not been reported in the literature in individuals affected with NEB-related conditions. For these reasons, this variant has been classified as Pathogenic.

Literature cited by the submitters: PubMed 25205138.

NM_001164508.2(NEB):c.6148A>T (p.Lys2050Ter)

Gene: NEB (nebulin; minus strand). Cytogenetic location: 2q23.3.
Variant type: single nucleotide variant.
Coding change: c.6148A>T on transcript NM_001164508.2 (MANE Select); coding-DNA position 6148, A replaced by T.
Protein change: p.Lys2050Ter; replaces lysine 2050 with a stop codon.
Molecular consequence: nonsense.
Genome position (GRCh38, 1-based): chr2:151,658,018, T>A on the plus strand (A>T on the coding strand, the complement: NEB is on the minus strand). VCF-style: chr2-151658018-T-A. GRCh37 (hg19) VCF-style: chr2-152514532-T-A.
Other names: c.6148A>T, p.Lys2050Ter (NM_001164507.2, NM_001271208.2, NM_004543.5); short protein forms K2050*.
Identifiers: ClinVar variation 4735208 (VCV004735208.1).